The following is an entry in ClinVar:

ClinVar aggregate classification (germline): Uncertain significance. Review status: criteria provided, multiple submitters, no conflicts (2 of 4 stars). 2 submissions from 2 submitters: Uncertain significance (2). Last evaluated 2024-06-09.

Conditions:
Cardiomyopathy (CMYO). Also called: Cardiomyopathies. Identifiers: Orphanet 167848, MedGen C0878544, MONDO:0004994, HP:0001638. Inheritance: Various modes of inheritance.
Hypertrophic cardiomyopathy. Also called: HYPERTROPHIC MYOCARDIOPATHY. Identifiers: Orphanet 217569, MedGen C0007194, MeSH D002312, MONDO:0005045, HP:0001639.

Submissions (2):

All of Us Research Program, National Institutes of Health
Classification: Uncertain significance for Cardiomyopathy. Last evaluated: 2024-06-09. Review status: criteria provided, single submitter. Criteria: ACMG Guidelines, 2015. Collection method: clinical testing. Allele origin: germline. Inheritance: Autosomal dominant inheritance. Observed: 1 variant allele, 1 heterozygote.
Comment: This missense variant replaces arginine with proline at codon 1606 of the MYH7 protein. Computational prediction tools indicate that this variant has a deleterious impact on protein structure and function. To our knowledge, functional studies have not been reported for this variant. This variant has not been reported in individuals affected with MYH7-related disorders in the literature. This variant has not been identified in the general population by the Genome Aggregation Database (gnomAD). The available evidence is insufficient to determine the role of this variant in disease conclusively. Therefore, this variant is classified as a Variant of Uncertain Significance.

This study involves interpretation of variants in research participants for the purpose of population health screening. Participant phenotype was not available at the time of variant classification. Additional details can be found in publication PMID: 35346344, PMCID: PMC8962531

Labcorp Genetics (formerly Invitae), Labcorp
Classification: Uncertain significance for Hypertrophic cardiomyopathy. Last evaluated: 2019-11-19. Review status: criteria provided, single submitter. Criteria: Invitae Variant Classification Sherloc (09022015). Collection method: clinical testing. Allele origin: germline.
Comment: In summary, the available evidence is currently insufficient to determine the role of this variant in disease. Therefore, it has been classified as a Variant of Uncertain Significance. Algorithms developed to predict the effect of missense changes on protein structure and function are either unavailable or do not agree on the potential impact of this missense change (SIFT: "Deleterious"; PolyPhen-2: "Probably Damaging"; Align-GVGD: "Class C0"). This variant has not been reported in the literature in individuals with MYH7-related conditions. This variant is not present in population databases (ExAC no frequency). This sequence change replaces arginine with proline at codon 1606 of the MYH7 protein (p.Arg1606Pro). The arginine residue is highly conserved and there is a moderate physicochemical difference between arginine and proline.

NM_000257.4(MYH7):c.4817G>C (p.Arg1606Pro)

Genes: MHRT (myosin heavy chain associated RNA transcript; plus strand), MYH7 (myosin heavy chain 7; minus strand), LOC126861897 (BRD4-independent group 4 enhancer GRCh37_chr14:23884455-23885654; plus strand). Cytogenetic location: 14q11.2.
Variant type: single nucleotide variant.
Coding change: c.4817G>C on transcript NM_000257.4 (MANE Select); coding-DNA position 4817, G replaced by C.
Protein change: p.Arg1606Pro; replaces arginine 1606 with proline.
Molecular consequence: missense variant. On other transcripts: non-coding transcript variant (1).
Genome position (GRCh38, 1-based): chr14:23,416,140, C>G on the plus strand (G>C on the coding strand, the complement: MYH7 is on the minus strand). VCF-style: chr14-23416140-C-G. GRCh37 (hg19) VCF-style: chr14-23885349-C-G.
Other names: short protein forms R1606P.
Identifiers: ClinVar variation 839096 (VCV000839096.11), dbSNP rs373514686, ClinGen allele CA389037574.